The following is an entry in ClinVar:

NM_001363711.2(DUOX2):c.1399G>T (p.Val467Leu)

Gene: DUOX2 (dual oxidase 2; minus strand). Cytogenetic location: 15q21.1.
Variant type: single nucleotide variant.
Coding change: c.1399G>T on transcript NM_001363711.2 (MANE Select); coding-DNA position 1399, G replaced by T.
Protein change: p.Val467Leu; replaces valine 467 with leucine.
Molecular consequence: missense variant.
Genome position (GRCh38, 1-based): chr15:45,108,222, C>A on the plus strand (G>T on the coding strand, the complement: DUOX2 is on the minus strand). VCF-style: chr15-45108222-C-A. GRCh37 (hg19) VCF-style: chr15-45400420-C-A.
Other names: c.1399G>T, p.Val467Leu (NM_014080.5); short protein forms V467L.
Identifiers: ClinVar variation 3376223 (VCV003376223.2).

ClinVar aggregate classification (germline): Uncertain significance. Review status: criteria provided, multiple submitters, no conflicts (2 of 4 stars). 2 submissions from 2 submitters: Uncertain significance (2). Last evaluated 2025-06-03.

Conditions:
Inborn genetic diseases. Identifiers: MedGen C0950123, MeSH D030342.
Thyroid dyshormonogenesis 6 (TDH6). Also called: THYROID HORMONOGENESIS, GENETIC DEFECT IN, 6; Genetic transient congenital hypothyroidism; HYPOTHYROIDISM, CONGENITAL, DUE TO DYSHORMONOGENESIS, 6. Identifiers: Orphanet 226316, Orphanet 95716, MedGen C1846632, MONDO:0011792, OMIM 607200.

Submissions (2):

Ambry Genetics
Classification: Uncertain significance for Inborn genetic diseases. Last evaluated: 2025-06-03. Review status: criteria provided, single submitter. Criteria: Ambry Variant Classification Scheme 2023. Collection method: clinical testing. Allele origin: germline.

Pittsburgh Clinical Genomics Laboratory, University of Pittsburgh Medical Center
Classification: Uncertain significance for Thyroid dyshormonogenesis 6. Last evaluated: 2022-06-10. Review status: criteria provided, single submitter. Criteria: ACMG Guidelines, 2015. Collection method: clinical testing. Allele origin: germline. Inheritance: Autosomal recessive inheritance. Affected: yes.
Comment: This sequence variant is a single nucleotide substitution (G>T) at coding position 1399 of the DUOX2 gene that results in a valine to leucine amino acid change at residue 467 of the DUOX2 protein. This is a novel variant that has not been reported to databases of clinically annotated variants (ClinVar) or observed in the literature in individuals with DUOX2-related disease. This variant is absent from control population datasets (gnomAD database 0 of ~250,000 alleles). Multiple bioinformatic tools predict that this variant would be tolerated; however, the Val467 residue is well conserved among the mammalian species examined. Functiol studies testing the effect of this variant on protein structure or activity have not been performed, to our knowledge. At this time, there is insufficient evidence to determine if this variant is pathogenic or benign. Therefore, we consider this to be a variant of uncertain significance. ACMG Criteria: BP4, PM2